The following is an entry in ClinVar:

ClinVar aggregate classification (germline): Likely benign. Review status: criteria provided, multiple submitters, no conflicts (2 of 4 stars). 2 submissions from 2 submitters: Likely benign (2). Last evaluated 2025-07-14.

Conditions:
Immunodeficiency 51 (IMD51). Also called: CANDIDIASIS, FAMILIAL, 5. Identifiers: Orphanet 1334, MedGen C4310803, MONDO:0013500, OMIM 613953.

Allele frequency attached by ClinVar (database versions not stated): gnomAD 0.00001; gnomAD exomes 0.00002; TOPMed 0.00002.
gnomAD v4.1: 32 of 1,614,166 alleles (0.002%); highest among the groups gnomAD compares: Middle Eastern, 0.066%; no homozygotes.

Submissions (2):

Labcorp Genetics (formerly Invitae), Labcorp
Classification: Likely benign for Immunodeficiency 51. Last evaluated: 2025-07-14. Review status: criteria provided, single submitter. Criteria: Invitae Variant Classification Sherloc (09022015). Collection method: clinical testing. Allele origin: germline.

CeGaT Center for Human Genetics Tuebingen
Classification: Likely benign. Last evaluated: 2022-08-01. Review status: criteria provided, single submitter. Criteria: CeGaT Center For Human Genetics Tuebingen Variant Classification Criteria Version 2. Collection method: clinical testing. Allele origin: germline. Affected: yes. Observed: 1 variant allele.
Comment: IL17RA: BP4, BP7

NM_014339.7(IL17RA):c.634C>T (p.Leu212=)

Gene: IL17RA (interleukin 17 receptor A; plus strand). Cytogenetic location: 22q11.1.
Variant type: single nucleotide variant.
Coding change: c.634C>T on transcript NM_014339.7 (MANE Select); coding-DNA position 634, C replaced by T.
Protein change: p.Leu212=; no amino-acid change (leucine 212 retained).
Molecular consequence: synonymous variant.
Genome position (GRCh38, 1-based): chr22:17,102,174, C>T. VCF-style: chr22-17102174-C-T. GRCh37 (hg19) VCF-style: chr22-17583064-C-T.
Other names: c.634C>T, p.Leu212= (NM_001289905.2).
Identifiers: ClinVar variation 719551 (VCV000719551.34), dbSNP rs1046787585, ClinGen allele CA321149726.